The following is an entry in ClinVar:

NM_024753.5(TTC21B):c.684G>A (p.Trp228Ter)

Genes: TTC21B (tetratricopeptide repeat domain 21B; minus strand), TTC21B-AS1 (TTC21B antisense RNA 1; plus strand). Cytogenetic location: 2q24.3.
Variant type: single nucleotide variant.
Coding change: c.684G>A on transcript NM_024753.5 (MANE Select); coding-DNA position 684, G replaced by A.
Protein change: p.Trp228Ter; replaces tryptophan 228 with a stop codon.
Molecular consequence: nonsense.
Genome position (GRCh38, 1-based): chr2:165,941,053, C>T on the plus strand (G>A on the coding strand, the complement: TTC21B is on the minus strand). VCF-style: chr2-165941053-C-T. GRCh37 (hg19) VCF-style: chr2-166797563-C-T.
Other names: short protein forms W228*.
Identifiers: ClinVar variation 216125 (VCV000216125.9), dbSNP rs777162250, ClinGen allele CA337921.
Genomic context (GRCh38, chr2:165,941,053, plus strand): 5'-CCAAAGAGACTTGTGTCATCTTTTATTACTTAACCTTTGTGCTGTCTCAACTGTCTGGTC[C>T]CAATCCTGCAAGGCTAGTTGTAATTTCATTTTCTTAACAAAAGCAGGAAGGAAGCTCGGA-3'

ClinVar aggregate classification (germline): Pathogenic (1 of 4 stars; one submission).

Conditions:
Jeune thoracic dystrophy. Also called: Short-rib thoracic dysplasia; Jeune syndrome; Infantile thoracic dystrophy; Thoracic pelvic phalangeal dystrophy; Jeune's syndrome; Chondroectodermal dysplasia-like syndrome. Identifiers: Orphanet 474, MedGen C0265275, MONDO:0018770.
Nephronophthisis. Also called: Juvenile Nephronophthisis. Identifiers: Orphanet 655, MedGen C0687120, MONDO:0019005, HP:0000090.

Allele frequency attached by ClinVar (database versions not stated): gnomAD exomes below 0.00001 and 0.00001; ExAC 0.00001.
gnomAD v4.1: 1 of 1,613,874 alleles (0.000062%); highest among the groups gnomAD compares: Non-Finnish European, 0.000085%; no homozygotes.

Submission:

Labcorp Genetics (formerly Invitae), Labcorp
Classification: Pathogenic for Jeune thoracic dystrophy; Nephronophthisis. Last evaluated: 2023-08-10. Review status: criteria provided, single submitter. Criteria: Invitae Variant Classification Sherloc (09022015). Collection method: clinical testing. Allele origin: germline.
Comment: This sequence change creates a premature translational stop signal (p.Trp228*) in the TTC21B gene. It is expected to result in an absent or disrupted protein product. Loss-of-function variants in TTC21B are known to be pathogenic (PMID: 18327258, 21068128, 21258341, 23559409, 24876116, 25492405, 27491411, 29068549). For these reasons, this variant has been classified as Pathogenic. ClinVar contains an entry for this variant (Variation ID: 216125). This variant has not been reported in the literature in individuals affected with TTC21B-related conditions. This variant is present in population databases (rs777162250, gnomAD 0.002%).

Literature cited by the submitters: PubMed 18327258; PubMed 21068128; PubMed 21258341; PubMed 23559409; PubMed 24876116; PubMed 25492405; PubMed 27491411; PubMed 29068549.